The following is an entry in ClinVar:

ClinVar aggregate classification (germline): Pathogenic (1 of 4 stars; one submission).

Submission:

Labcorp Genetics (formerly Invitae), Labcorp
Classification: Pathogenic. Last evaluated: 2024-04-27. Review status: criteria provided, single submitter. Criteria: Invitae Variant Classification Sherloc (09022015). Collection method: clinical testing. Allele origin: germline.
Comment: This sequence change creates a premature translational stop signal (p.Arg24Leufs*27) in the ACBD5 gene. It is expected to result in an absent or disrupted protein product. Loss-of-function variants in ACBD5 are known to be pathogenic (PMID: 23105016, 27799409). This variant is not present in population databases (gnomAD no frequency). This variant has not been reported in the literature in individuals affected with ACBD5-related conditions. For these reasons, this variant has been classified as Pathogenic.

Literature cited by the submitters: PubMed 23105016; PubMed 27799409.

NM_145698.5(ACBD5):c.70_73del (p.Arg24fs)

Genes: ACBD5 (acyl-CoA binding domain containing 5; minus strand), LOC130003557 (ATAC-STARR-seq lymphoblastoid active region 3182; plus strand). Cytogenetic location: 10p12.1.
Variant type: Deletion.
Coding change: c.70_73del on transcript NM_145698.5 (MANE Select); coding-DNA positions 70 to 73, 4 bases deleted (AGAC; older notation c.70_73delAGAC).
Protein change: p.Arg24fs; shifts the reading frame from arginine 24.
Molecular consequence: frameshift variant. On other transcripts: 5 prime UTR variant (16).
Genome position (GRCh38, 1-based): chr10:27,240,427-27,240,430, GTCT deleted on the plus strand (AGAC on the coding strand, the reverse complement: ACBD5 is on the minus strand); deleting any 4 consecutive bases within chr10:27,240,427-27,240,433 gives the same sequence; the c. name uses the placement nearest the transcript's 3' end. VCF-style (leftmost placement, unchanged base first): chr10-27240426-GGTCT-G. GRCh37 (hg19) VCF-style: chr10-27529355-GGTCT-G.
Other names: c.-36_-33del (NM_001352579.2, NM_001352580.2, NM_001352582.2 and 6 more transcripts); c.70_73del, p.Arg24fs (NM_001352581.1, NM_001352588.1, NM_001352569.1 and 2 more transcripts); c.-137_-134del (NM_001352583.1, NM_001352584.1, NM_001352585.1 and 4 more transcripts); c.64_67del, p.Arg22fs (NM_001352586.1, NM_001352587.1, NM_001271512.3 and 1 more transcripts); c.91_94del, p.Arg31fs (NM_001352568.1, NM_001352572.1); short protein forms R24fs, R31fs, R22fs.
Identifiers: ClinVar variation 3694654 (VCV003694654.2).